The following is an entry in ClinVar:

ClinVar aggregate classification (germline): Uncertain significance (1 of 4 stars; one submission).

Conditions:
Sulfite oxidase deficiency due to molybdenum cofactor deficiency type C. Also called: Molybdenum cofactor deficiency, complementation group C; Molybdenum cofactor deficiency C. Identifiers: Orphanet 308400, Orphanet 833, MedGen C1854990, MONDO:0014212, OMIM 615501.

Allele frequency attached by ClinVar (database versions not stated): TOPMed below 0.00001.

Submission:

Labcorp Genetics (formerly Invitae), Labcorp
Classification: Uncertain significance for Sulfite oxidase deficiency due to molybdenum cofactor deficiency type C. Last evaluated: 2024-01-08. Review status: criteria provided, single submitter. Criteria: Invitae Variant Classification Sherloc (09022015). Collection method: clinical testing. Allele origin: germline.
Comment: This sequence change replaces lysine, which is basic and polar, with arginine, which is basic and polar, at codon 138 of the GPHN protein (p.Lys138Arg). This variant is not present in population databases (gnomAD no frequency). This variant has not been reported in the literature in individuals affected with GPHN-related conditions. ClinVar contains an entry for this variant (Variation ID: 1500151). Advanced modeling of protein sequence and biophysical properties (such as structural, functional, and spatial information, amino acid conservation, physicochemical variation, residue mobility, and thermodynamic stability) performed at Invitae indicates that this missense variant is not expected to disrupt GPHN protein function with a negative predictive value of 80%. In summary, the available evidence is currently insufficient to determine the role of this variant in disease. Therefore, it has been classified as a Variant of Uncertain Significance.

NM_020806.5(GPHN):c.413A>G (p.Lys138Arg)

Gene: GPHN (gephyrin; plus strand). Cytogenetic location: 14q23.3.
Variant type: single nucleotide variant.
Coding change: c.413A>G on transcript NM_020806.5 (MANE Select); coding-DNA position 413, A replaced by G.
Protein change: p.Lys138Arg; replaces lysine 138 with arginine.
Molecular consequence: missense variant.
Genome position (GRCh38, 1-based): chr14:66,916,026, A>G. VCF-style: chr14-66916026-A-G. GRCh37 (hg19) VCF-style: chr14-67382743-A-G.
Other names: c.413A>G, p.Lys138Arg (NM_001024218.2, NM_001377515.1, NM_001377516.1 and 2 more transcripts); c.452A>G, p.Lys151Arg (NM_001377514.1, NM_001377519.1); short protein forms K138R, K151R.
Identifiers: ClinVar variation 1500151 (VCV001500151.8), dbSNP rs1337821246, ClinGen allele CA390255874.